The following is an entry in ClinVar:

ClinVar aggregate classification (germline): Uncertain significance. Review status: criteria provided, multiple submitters, no conflicts (2 of 4 stars). 2 submissions from 2 submitters: Uncertain significance (2). Last evaluated 2024-03-06.

Conditions:
Malignant hyperthermia, susceptibility to, 5 (MHS5). Also called: CACNA1S-Related Malignant Hyperthermia Susceptibility. Identifiers: Orphanet 423, MedGen C1866077, MONDO:0011163, OMIM 601887.

Submissions (2):

Color Diagnostics, LLC DBA Color Health
Classification: Uncertain significance for Malignant hyperthermia, susceptibility to, 5. Last evaluated: 2024-03-06. Review status: criteria provided, single submitter. Criteria: ACMG Guidelines, 2015. Collection method: clinical testing. Allele origin: germline.
Comment: This missense variant replaces alanine with threonine at codon 344 of the CACNA1S protein. Computational prediction suggests that this variant may have deleterious impact on protein structure and function (internally defined REVEL score threshold >= 0.7, PMID: 27666373). To our knowledge, functional studies have not been reported for this variant. This variant has not been reported in individuals affected with CACNA1S-related disorders in the literature. This variant has not been identified in the general population by the Genome Aggregation Database (gnomAD). The available evidence is insufficient to determine the role of this variant in disease conclusively. Therefore, this variant is classified as a Variant of Uncertain Significance.

All of Us Research Program, National Institutes of Health
Classification: Uncertain significance for Malignant hyperthermia, susceptibility to, 5. Last evaluated: 2023-06-08. Review status: criteria provided, single submitter. Criteria: ACMG Guidelines, 2015. Collection method: clinical testing. Allele origin: germline. Inheritance: Autosomal dominant inheritance. Observed: 1 variant allele, 1 heterozygote.
Comment: This missense variant replaces alanine with threonine at codon 344 of the CACNA1S protein. Computational prediction suggests that this variant may have deleterious impact on protein structure and function (internally defined REVEL score threshold >= 0.7, PMID: 27666373). To our knowledge, functional studies have not been reported for this variant. This variant has not been reported in individuals affected with CACNA1S-related disorders in the literature. This variant has not been identified in the general population by the Genome Aggregation Database (gnomAD). The available evidence is insufficient to determine the role of this variant in disease conclusively. Therefore, this variant is classified as a Variant of Uncertain Significance.

This study involves interpretation of variants in research participants for the purpose of population health screening. Participant phenotype was not available at the time of variant classification. Additional details can be found in publication PMID: 35346344, PMCID: PMC8962531

NM_000069.3(CACNA1S):c.1030G>A (p.Ala344Thr)

Gene: CACNA1S (calcium voltage-gated channel subunit alpha1 S; minus strand). Cytogenetic location: 1q32.1.
Variant type: single nucleotide variant.
Coding change: c.1030G>A on transcript NM_000069.3 (MANE Select); coding-DNA position 1030, G replaced by A.
Protein change: p.Ala344Thr; replaces alanine 344 with threonine.
Molecular consequence: missense variant.
Genome position (GRCh38, 1-based): chr1:201,085,556, C>T on the plus strand (G>A on the coding strand, the complement: CACNA1S is on the minus strand). VCF-style: chr1-201085556-C-T. GRCh37 (hg19) VCF-style: chr1-201054684-C-T.
Other names: short protein forms A344T.
Identifiers: ClinVar variation 2775018 (VCV002775018.3), dbSNP rs757569333, ClinGen allele CA344130107.
Genomic context (GRCh38, chr1:201,085,556, plus strand): 5'-GAAGGTCCTCATCTAGTTGCTGCTTCTCCCGGAGCTTCTGGAAGGTTCCCCTGGACTTGG[C>T]CTTCTCCCGCTCCTTGGTGAATTCCCTGAAATGAGATGGGGGAGCCAGGAGAGGAGGAGA-3'
Protein context (NP_000060.2, residues 334-354): SGEFTKEREK[Ala344Thr]KSRGTFQKLR